The following is an entry in ClinVar:

NM_001040151.2(SCN3B):c.214T>A (p.Phe72Ile)

Gene: SCN3B (sodium voltage-gated channel beta subunit 3; minus strand). Cytogenetic location: 11q24.1.
Variant type: single nucleotide variant.
Coding change: c.214T>A on transcript NM_001040151.2 (MANE Select); coding-DNA position 214, T replaced by A.
Protein change: p.Phe72Ile; replaces phenylalanine 72 with isoleucine.
Molecular consequence: missense variant.
Genome position (GRCh38, 1-based): chr11:123,645,592, A>T on the plus strand (T>A on the coding strand, the complement: SCN3B is on the minus strand). VCF-style: chr11-123645592-A-T. GRCh37 (hg19) VCF-style: chr11-123516300-A-T.
Other names: c.214T>A, p.Phe72Ile (NM_018400.4); short protein forms F72I.
Identifiers: ClinVar variation 2642485 (VCV002642485.24), dbSNP rs779570317, ClinGen allele CA383072940.

ClinVar aggregate classification (germline): Uncertain significance (1 of 4 stars; one submission).

gnomAD v4.1: 2 of 1,614,082 alleles (0.00012%); highest among the groups gnomAD compares: Non-Finnish European, 0.00017%; no homozygotes.

Submission:

CeGaT Center for Human Genetics Tuebingen
Classification: Uncertain significance. Last evaluated: 2022-10-01. Review status: criteria provided, single submitter. Criteria: CeGaT Center For Human Genetics Tuebingen Variant Classification Criteria Version 2. Collection method: clinical testing. Allele origin: germline. Affected: yes. Observed: 1 variant allele.
Comment: SCN3B: PM2